The following is an entry in ClinVar:

ClinVar aggregate classification (germline): Uncertain significance (1 of 4 stars; one submission).

Submission:

Labcorp Genetics (formerly Invitae), Labcorp
Classification: Uncertain significance. Last evaluated: 2024-09-04. Review status: criteria provided, single submitter. Criteria: Invitae Variant Classification Sherloc (09022015). Collection method: clinical testing. Allele origin: germline.
Comment: This sequence change affects a donor splice site in intron 14 of the IFT88 gene. It is expected to disrupt RNA splicing. Variants that disrupt the donor or acceptor splice site typically lead to a loss of protein function (PMID: 16199547), however the current clinical and genetic evidence is not sufficient to establish whether loss-of-function variants in IFT88 cause disease. This variant is not present in population databases (gnomAD no frequency). This variant has not been reported in the literature in individuals affected with IFT88-related conditions. Algorithms developed to predict the effect of sequence changes on RNA splicing suggest that this variant may disrupt the consensus splice site. In summary, the available evidence is currently insufficient to determine the role of this variant in disease. Therefore, it has been classified as a Variant of Uncertain Significance.

Literature cited by the submitters: PubMed 16199547.

NM_006531.5(IFT88):c.1041+1G>C

Gene: IFT88 (intraflagellar transport 88; plus strand). Cytogenetic location: 13q12.11.
Variant type: single nucleotide variant.
Coding change: c.1041+1G>C on transcript NM_006531.5 (MANE Select); the canonical splice donor site of the intron after coding-DNA position 1041, G replaced by C.
Molecular consequence: splice donor variant.
Genome position (GRCh38, 1-based): chr13:20,601,934, G>C. VCF-style: chr13-20601934-G-C. GRCh37 (hg19) VCF-style: chr13-21176073-G-C.
Other names: c.1068+1G>C (NM_001318493.2, NM_175605.5, NM_001353566.2 and 2 more transcripts); c.1041+1G>C (NM_001353568.2, NM_001353572.2); c.966+1G>C (NM_001353570.2, NM_001353576.2, NM_001353577.2 and 1 more transcripts); c.939+1G>C (NM_001353571.2, NM_001353578.2); c.408+1G>C (NM_001353579.2); c.984+1G>C (NM_001353575.2, NM_001318491.2, NM_001353573.2); c.882+1G>C (NM_001353574.2).
Identifiers: ClinVar variation 3663761 (VCV003663761.2).